The following is an entry in ClinVar:

NM_001267550.2(TTN):c.50811C>T (p.Ser16937=)

Genes: TTN-AS1 (TTN antisense RNA 1; plus strand), TTN (titin; minus strand). Cytogenetic location: 2q31.2.
Variant type: single nucleotide variant.
Coding change: c.50811C>T on transcript NM_001267550.2 (MANE Select); coding-DNA position 50811, C replaced by T.
Protein change: p.Ser16937=; no amino-acid change (serine 16937 retained).
Molecular consequence: synonymous variant.
Genome position (GRCh38, 1-based): chr2:178,611,418, G>A on the plus strand (C>T on the coding strand, the complement: TTN is on the minus strand). VCF-style: chr2-178611418-G-A. GRCh37 (hg19) VCF-style: chr2-179476145-G-A.
Other names: c.45888C>T, p.Ser15296= (NM_001256850.1); c.23616C>T, p.Ser7872= (NM_003319.4); c.43107C>T, p.Ser14369= (NM_133378.4); c.23991C>T, p.Ser7997= (NM_133432.3); c.24192C>T, p.Ser8064= (NM_133437.4).
Identifiers: ClinVar variation 645653 (VCV000645653.12), dbSNP rs780845171, ClinGen allele CA1994309.
Genomic context (GRCh38, chr2:178,611,418, plus strand): 5'-CCTTGTGCTCTTACAGTCTGGGTCTTTGGCAACCACATTTTCAGAGATTTCAGATGGCTC[G>A]CTGACACCAATAGCATTGACTGCTCTCACTCTCAGGACATATTCTTTGTCAGGAACAACA-3'
Protein context (NP_001254479.2, residues 16927-16947): RVRAVNAIGV[Ser16937=]EPSEISENVV

ClinVar aggregate classification (germline): Likely benign. Review status: criteria provided, multiple submitters, no conflicts (2 of 4 stars). 4 submissions from 4 submitters: Likely benign (4). Last evaluated 2025-12-31.

Conditions:
Dilated cardiomyopathy 1G (CMD1G). Identifiers: Orphanet 154, MedGen C1858763, MONDO:0011400, OMIM 604145.
Autosomal recessive limb-girdle muscular dystrophy type 2J (LGMDR10). Also called: MUSCULAR DYSTROPHY, LIMB-GIRDLE, AUTOSOMAL RECESSIVE 10; Limb-girdle muscular dystrophy, type 2J. Identifiers: Orphanet 140922, MedGen C1837342, MONDO:0012127, OMIM 608807.
Cardiovascular phenotype. Identifiers: MedGen CN230736.
TTN-related disorder. Also called: TTN-related condition; TTN-related disease; TTN-related disorders.

Allele frequency attached by ClinVar (database versions not stated): TOPMed 0.00003.
gnomAD v4.1: 29 of 1,612,788 alleles (0.0018%); highest among the groups gnomAD compares: Admixed American, 0.01%; no homozygotes.

Submissions (4):

Labcorp Genetics (formerly Invitae), Labcorp
Classification: Likely benign for Dilated cardiomyopathy 1G; Autosomal recessive limb-girdle muscular dystrophy type 2J. Last evaluated: 2025-12-31. Review status: criteria provided, single submitter. Criteria: Invitae Variant Classification Sherloc (09022015). Collection method: clinical testing. Allele origin: germline.

PreventionGenetics, part of Exact Sciences
Classification: Likely benign for TTN-related condition. Last evaluated: 2025-07-31. Review status: criteria provided, single submitter. Criteria: ACMG Guidelines, 2015. Collection method: clinical testing. Allele origin: germline.
Comment: This variant is classified as likely benign based on ACMG/AMP sequence variant interpretation guidelines (Richards et al. 2015 PMID: 25741868, with internal and published modifications).

Women's Health and Genetics/Laboratory Corporation of America, LabCorp
Classification: Likely benign. Last evaluated: 2019-11-02. Review status: criteria provided, single submitter. Criteria: LabCorp Variant Classification Summary - May 2015. Collection method: clinical testing. Allele origin: germline.

Ambry Genetics
Classification: Likely benign for Cardiovascular phenotype. Last evaluated: 2019-08-19. Review status: criteria provided, single submitter. Criteria: Ambry Variant Classification Scheme 2023. Collection method: clinical testing. Allele origin: germline.